The following is an entry in ClinVar:

ClinVar aggregate classification (germline): Uncertain significance (1 of 4 stars; one submission).

Conditions:
Glycogen storage disease type III (GSD3). Also called: Cori disease; FORBES DISEASE. Identifiers: Orphanet 366, MedGen C0017922, MONDO:0009291, OMIM 232400.

gnomAD v4.1: 1 of 1,603,700 alleles (0.000062%); highest among the groups gnomAD compares: Non-Finnish European, 0.000085%; no homozygotes.

Submission:

Labcorp Genetics (formerly Invitae), Labcorp
Classification: Uncertain significance for Glycogen storage disease type III. Last evaluated: 2022-03-11. Review status: criteria provided, single submitter. Criteria: Invitae Variant Classification Sherloc (09022015). Collection method: clinical testing. Allele origin: germline.
Comment: This sequence change replaces aspartic acid, which is acidic and polar, with alanine, which is neutral and non-polar, at codon 1418 of the AGL protein (p.Asp1418Ala). This variant is not present in population databases (gnomAD no frequency). This variant has not been reported in the literature in individuals affected with AGL-related conditions. Algorithms developed to predict the effect of missense changes on protein structure and function (SIFT, PolyPhen-2, Align-GVGD) all suggest that this variant is likely to be disruptive. In summary, the available evidence is currently insufficient to determine the role of this variant in disease. Therefore, it has been classified as a Variant of Uncertain Significance.

NM_000642.3(AGL):c.4253A>C (p.Asp1418Ala)

Gene: AGL (amylo-alpha-1,6-glucosidase and 4-alpha-glucanotransferase; plus strand). Cytogenetic location: 1p21.2.
Variant type: single nucleotide variant.
Coding change: c.4253A>C on transcript NM_000642.3 (MANE Select); coding-DNA position 4253, A replaced by C.
Protein change: p.Asp1418Ala; replaces aspartic acid 1418 with alanine.
Molecular consequence: missense variant.
Genome position (GRCh38, 1-based): chr1:99,915,480, A>C. VCF-style: chr1-99915480-A-C. GRCh37 (hg19) VCF-style: chr1-100381036-A-C.
Other names: c.4052A>C, p.Asp1351Ala (NM_001425327.1); c.4049A>C, p.Asp1350Ala (NM_001425328.1); c.4253A>C, p.Asp1418Ala (NM_000643.3, NM_000644.3, NM_000028.3 and 1 more transcripts); c.3914A>C, p.Asp1305Ala (NM_001425329.1); c.3875A>C, p.Asp1292Ala (NM_001425332.1); c.4205A>C, p.Asp1402Ala (NM_000646.3); c.4232A>C, p.Asp1411Ala (NM_001425326.1); short protein forms D1402A, D1418A, D1292A, D1305A, D1350A, D1351A, D1411A.
Identifiers: ClinVar variation 2196347 (VCV002196347.1), dbSNP rs2523847211, ClinGen allele CA341341512.